The following is an entry in ClinVar:

NM_032242.4(PLXNA1):c.4248C>A (p.Ile1416=)

Gene: PLXNA1 (plexin A1; plus strand). Cytogenetic location: 3q21.3.
Variant type: single nucleotide variant.
Coding change: c.4248C>A on transcript NM_032242.4 (MANE Select); coding-DNA position 4248, C replaced by A.
Protein change: p.Ile1416=; no amino-acid change (isoleucine 1416 retained).
Molecular consequence: synonymous variant.
Genome position (GRCh38, 1-based): chr3:127,022,294, C>A. VCF-style: chr3-127022294-C-A. GRCh37 (hg19) VCF-style: chr3-126741137-C-A.
Identifiers: ClinVar variation 4993934 (VCV004993934.1).
Genomic context (GRCh38, chr3:127,022,294, plus strand): 5'-CCTGCAGGGCGAGATGGAATACGCCACAGGCGTGCTCAAGCAGCTGCTTTCCGACCTCAT[C>A]GAGAAGAACCTGGAGAGCAAGAACCACCCCAAGCTGCTACTGCGCCGGTGAGCCTGGGGG-3'
Protein context (NP_115618.3, residues 1406-1426): GVLKQLLSDL[Ile1416=]EKNLESKNHP

ClinVar aggregate classification (germline): Likely benign (1 of 4 stars; one submission).

Conditions:
PLXNA1-related disorder. Also called: PLXNA1-related condition.

gnomAD v4.1: 2 of 1,613,054 alleles (0.00012%); highest among the groups gnomAD compares: Non-Finnish European, 0.00017%; no homozygotes.

Submission:

PreventionGenetics, part of Exact Sciences
Classification: Likely benign for PLXNA1-related condition. Last evaluated: 2026-07-02. Review status: criteria provided, single submitter. Criteria: ACMG Guidelines, 2015. Collection method: clinical testing. Allele origin: germline.
Comment: This variant is classified as likely benign based on ACMG/AMP sequence variant interpretation guidelines (Richards et al. 2015 PMID: 25741868, with internal and published modifications).